The following is an entry in ClinVar:

ClinVar aggregate classification (germline): Uncertain significance (1 of 4 stars; one submission).

Submission:

CeGaT Center for Human Genetics Tuebingen
Classification: Uncertain significance. Last evaluated: 2022-05-01. Review status: criteria provided, single submitter. Criteria: CeGaT Center For Human Genetics Tuebingen Variant Classification Criteria Version 2. Collection method: clinical testing. Allele origin: germline. Affected: yes. Observed: 1 variant allele.
Comment: FAAH2: PM2

NM_174912.4(FAAH2):c.589T>C (p.Tyr197His)

Gene: FAAH2 (fatty acid amide hydrolase 2; plus strand). Cytogenetic location: Xp11.21.
Variant type: single nucleotide variant.
Coding change: c.589T>C on transcript NM_174912.4 (MANE Select); coding-DNA position 589, T replaced by C.
Protein change: p.Tyr197His; replaces tyrosine 197 with histidine.
Molecular consequence: missense variant. On other transcripts: non-coding transcript variant (2), intron variant (1).
Genome position (GRCh38, 1-based): chrX:57,331,774, T>C. VCF-style: chrX-57331774-T-C. GRCh37 (hg19) VCF-style: chrX-57358207-T-C.
Other names: c.589T>C, p.Tyr197His (NM_001353840.1); c.413-9497T>C (NM_001353841.1); short protein forms Y197H.
Identifiers: ClinVar variation 2660716 (VCV002660716.24), dbSNP rs2519918104, ClinGen allele CA413388128.